The following is an entry in ClinVar:

NM_002334.4(LRP4):c.2869C>T (p.Arg957Cys)

Gene: LRP4 (LDL receptor related protein 4; minus strand). Cytogenetic location: 11p11.2.
Variant type: single nucleotide variant.
Coding change: c.2869C>T on transcript NM_002334.4 (MANE Select); coding-DNA position 2869, C replaced by T.
Protein change: p.Arg957Cys; replaces arginine 957 with cysteine.
Molecular consequence: missense variant.
Genome position (GRCh38, 1-based): chr11:46,879,261, G>A on the plus strand (C>T on the coding strand, the complement: LRP4 is on the minus strand). VCF-style: chr11-46879261-G-A. GRCh37 (hg19) VCF-style: chr11-46900812-G-A.
Other names: short protein forms R957C.
Identifiers: ClinVar variation 2059494 (VCV002059494.1), dbSNP rs1941094430, ClinGen allele CA380277544.

ClinVar aggregate classification (germline): Uncertain significance (1 of 4 stars; one submission).

Conditions:
Cenani-Lenz syndactyly syndrome. Also called: CENANI SYNDACTYLISM; SYNDACTYLY, TYPE VII. Identifiers: Orphanet 3258, MedGen C1859309, MONDO:0008931, OMIM 212780.
Congenital myasthenic syndrome 17. Identifiers: Orphanet 590, MedGen C4225377, MONDO:0014578, OMIM 616304.
Sclerosteosis 2 (SOST2). Identifiers: Orphanet 3152, MedGen C3280402, MONDO:0013679, OMIM 614305.

Allele frequency attached by ClinVar (database versions not stated): gnomAD exomes 0.00001.
gnomAD v4.1: 14 of 1,614,192 alleles (0.00087%); highest among the groups gnomAD compares: Admixed American, 0.0017%; no homozygotes.

Submission:

Labcorp Genetics (formerly Invitae), Labcorp
Classification: Uncertain significance for Cenani-Lenz syndactyly syndrome; Sclerosteosis 2; Congenital myasthenic syndrome 17. Last evaluated: 2022-04-15. Review status: criteria provided, single submitter. Criteria: Invitae Variant Classification Sherloc (09022015). Collection method: clinical testing. Allele origin: germline.
Comment: This sequence change replaces arginine, which is basic and polar, with cysteine, which is neutral and slightly polar, at codon 957 of the LRP4 protein (p.Arg957Cys). This variant is not present in population databases (gnomAD no frequency). This variant has not been reported in the literature in individuals affected with LRP4-related conditions. Algorithms developed to predict the effect of missense changes on protein structure and function (SIFT, PolyPhen-2, Align-GVGD) all suggest that this variant is likely to be disruptive. In summary, the available evidence is currently insufficient to determine the role of this variant in disease. Therefore, it has been classified as a Variant of Uncertain Significance.